The following is an entry in ClinVar:

NM_153704.6(TMEM67):c.152A>G (p.Asn51Ser)

Gene: TMEM67 (transmembrane protein 67; plus strand). Cytogenetic location: 8q22.1.
Variant type: single nucleotide variant.
Coding change: c.152A>G on transcript NM_153704.6 (MANE Select); coding-DNA position 152, A replaced by G.
Protein change: p.Asn51Ser; replaces asparagine 51 with serine.
Molecular consequence: missense variant. On other transcripts: 5 prime UTR variant (1), non-coding transcript variant (1).
Genome position (GRCh38, 1-based): chr8:93,755,066, A>G. VCF-style: chr8-93755066-A-G. GRCh37 (hg19) VCF-style: chr8-94767294-A-G.
Other names: c.-133A>G (NM_001142301.1); short protein forms N51S.
Identifiers: ClinVar variation 1426892 (VCV001426892.6), dbSNP rs1165968607, ClinGen allele CA371685350.

ClinVar aggregate classification (germline): Uncertain significance. Review status: criteria provided, multiple submitters, no conflicts (2 of 4 stars). 2 submissions from 2 submitters: Uncertain significance (2). Last evaluated 2024-04-20.

Conditions:
Bardet-Biedl syndrome 14 (BBS14). Identifiers: Orphanet 110, MedGen C2673874, MONDO:0014442, OMIM 615991.
Joubert syndrome 6 (JBTS6). Identifiers: Orphanet 475, MedGen C1853153, MONDO:0012539, OMIM 610688.
RHYNS syndrome. Also called: RETINITIS PIGMENTOSA SYNDROME; RETINITIS PIGMENTOSA, HYPOPITUITARISM, NEPHRONOPHTHISIS, AND MILD SKELETAL DYSPLASIA. Identifiers: Orphanet 140976, MedGen C1865794, MONDO:0011202, OMIM 602152.
Meckel syndrome, type 3 (MKS3). Also called: MECKEL-GRUBER SYNDROME, TYPE 3. Identifiers: Orphanet 564, MedGen C1846357, MONDO:0011821, OMIM 607361.
COACH syndrome 1. Identifiers: Orphanet 1454, MedGen C5435651, MONDO:0800103, OMIM 216360, MONDO:0008996.
Nephronophthisis 11 (NPHP11). Identifiers: Orphanet 84081, MedGen C3150796, MONDO:0013302, OMIM 613550.
Joubert syndrome. Also called: CEREBELLOPARENCHYMAL DISORDER IV; JOUBERT-BOLTSHAUSER SYNDROME; Familial aplasia of the vermis. Identifiers: Orphanet 475, MedGen C5979921, MONDO:0018772.
Meckel-Gruber syndrome. Also called: DYSENCEPHALIA SPLANCHNOCYSTICA; GRUBER SYNDROME; Dysencephalia splachnocystica. Identifiers: Orphanet 564, MedGen C0265215, MONDO:0018921.

Allele frequency attached by ClinVar (database versions not stated): gnomAD exomes below 0.00001; TOPMed below 0.00001; gnomAD 0.00001.
gnomAD v4.1: 4 of 1,614,064 alleles (0.00025%); highest among the groups gnomAD compares: African/African-American, 0.0027%; no homozygotes.

Submissions (2):

Fulgent Genetics
Classification: Uncertain significance for COACH syndrome 1; RHYNS syndrome; Meckel syndrome, type 3; Joubert syndrome 6; Nephronophthisis 11; Bardet-Biedl syndrome 14. Last evaluated: 2024-04-20. Review status: criteria provided, single submitter. Criteria: ACMG Guidelines, 2015. Collection method: clinical testing. Allele origin: germline.

Labcorp Genetics (formerly Invitae), Labcorp
Classification: Uncertain significance for Joubert syndrome; Meckel-Gruber syndrome. Last evaluated: 2021-08-28. Review status: criteria provided, single submitter. Criteria: Invitae Variant Classification Sherloc (09022015). Collection method: clinical testing. Allele origin: germline.
Comment: This sequence change replaces asparagine with serine at codon 51 of the TMEM67 protein (p.Asn51Ser). The asparagine residue is weakly conserved and there is a small physicochemical difference between asparagine and serine. This variant is not present in population databases (ExAC no frequency). This variant has not been reported in the literature in individuals affected with TMEM67-related conditions. Advanced modeling of protein sequence and biophysical properties (such as structural, functional, and spatial information, amino acid conservation, physicochemical variation, residue mobility, and thermodynamic stability) performed at Invitae indicates that this missense variant is not expected to disrupt TMEM67 protein function. In summary, the available evidence is currently insufficient to determine the role of this variant in disease. Therefore, it has been classified as a Variant of Uncertain Significance.